The following is an entry in ClinVar:

ClinVar aggregate classification (germline): Uncertain significance (1 of 4 stars; one submission).

Submission:

Labcorp Genetics (formerly Invitae), Labcorp
Classification: Uncertain significance. Last evaluated: 2024-09-03. Review status: criteria provided, single submitter. Criteria: Invitae Variant Classification Sherloc (09022015). Collection method: clinical testing. Allele origin: germline.
Comment: This sequence change replaces threonine, which is neutral and polar, with alanine, which is neutral and non-polar, at codon 1070 of the FOCAD protein (p.Thr1070Ala). This variant is not present in population databases (gnomAD no frequency). This variant has not been reported in the literature in individuals affected with FOCAD-related conditions. Experimental studies and prediction algorithms are not available or were not evaluated, and the functional significance of this variant is currently unknown. In summary, the available evidence is currently insufficient to determine the role of this variant in disease. Therefore, it has been classified as a Variant of Uncertain Significance.

NM_001375567.1(FOCAD):c.3208A>G (p.Thr1070Ala)

Gene: FOCAD (focadhesin; plus strand). Cytogenetic location: 9p21.3.
Variant type: single nucleotide variant.
Coding change: c.3208A>G on transcript NM_001375567.1 (MANE Select); coding-DNA position 3208, A replaced by G.
Protein change: p.Thr1070Ala; replaces threonine 1070 with alanine.
Molecular consequence: missense variant.
Genome position (GRCh38, 1-based): chr9:20,929,487, A>G. VCF-style: chr9-20929487-A-G. GRCh37 (hg19) VCF-style: chr9-20929486-A-G.
Other names: c.3103A>G, p.Thr1035Ala (NM_001375568.1, NM_001375570.1); c.3208A>G, p.Thr1070Ala (NM_017794.5); short protein forms T1035A, T1070A.
Identifiers: ClinVar variation 3663770 (VCV003663770.2).